The following is an entry in ClinVar:

ClinVar aggregate classification (germline): Uncertain significance (1 of 4 stars; one submission).

Conditions:
RASopathy. Also called: rasopathies; Noonan spectrum disorder. Identifiers: Orphanet 536391, MedGen C5555857, MONDO:0021060.

Submission:

Labcorp Genetics (formerly Invitae), Labcorp
Classification: Uncertain significance for RASopathy. Last evaluated: 2023-05-23. Review status: criteria provided, single submitter. Criteria: Invitae Variant Classification Sherloc (09022015). Collection method: clinical testing. Allele origin: germline.
Comment: This variant is not present in population databases (gnomAD no frequency). In summary, the available evidence is currently insufficient to determine the role of this variant in disease. Therefore, it has been classified as a Variant of Uncertain Significance. Advanced modeling of protein sequence and biophysical properties (such as structural, functional, and spatial information, amino acid conservation, physicochemical variation, residue mobility, and thermodynamic stability) performed at Invitae indicates that this missense variant is not expected to disrupt MAP2K2 protein function. This variant has not been reported in the literature in individuals affected with MAP2K2-related conditions. This sequence change replaces methionine, which is neutral and non-polar, with arginine, which is basic and polar, at codon 362 of the MAP2K2 protein (p.Met362Arg).

NM_030662.4(MAP2K2):c.1085T>G (p.Met362Arg)

Gene: MAP2K2 (mitogen-activated protein kinase kinase 2; minus strand). Cytogenetic location: 19p13.3.
Variant type: single nucleotide variant.
Coding change: c.1085T>G on transcript NM_030662.4 (MANE Select); coding-DNA position 1085, T replaced by G.
Protein change: p.Met362Arg; replaces methionine 362 with arginine.
Molecular consequence: missense variant.
Genome position (GRCh38, 1-based): chr19:4,094,460, A>C on the plus strand (T>G on the coding strand, the complement: MAP2K2 is on the minus strand). VCF-style: chr19-4094460-A-C. GRCh37 (hg19) VCF-style: chr19-4094458-A-C.
Other names: short protein forms M362R.
Identifiers: ClinVar variation 2957235 (VCV002957235.3), dbSNP rs730880513, ClinGen allele CA403382437.